The following is an entry in ClinVar:

ClinVar aggregate classification (germline): Uncertain significance (1 of 4 stars; one submission).

Conditions:
Leber congenital amaurosis 6 (LCA6). Identifiers: Orphanet 65, MedGen C1854260, MONDO:0013446, OMIM 613826.
Cone-rod dystrophy 13 (CORD13). Identifiers: Orphanet 1872, MedGen C2750720, MONDO:0011987, OMIM 608194.

Submission:

Labcorp Genetics (formerly Invitae), Labcorp
Classification: Uncertain significance for Leber congenital amaurosis 6; Cone-rod dystrophy 13. Last evaluated: 2022-07-18. Review status: criteria provided, single submitter. Criteria: Invitae Variant Classification Sherloc (09022015). Collection method: clinical testing. Allele origin: germline.
Comment: In summary, the available evidence is currently insufficient to determine the role of this variant in disease. Therefore, it has been classified as a Variant of Uncertain Significance. Algorithms developed to predict the effect of missense changes on protein structure and function output the following: SIFT: "Tolerated"; PolyPhen-2: "Benign"; Align-GVGD: "Class C0". The valine amino acid residue is found in multiple mammalian species, which suggests that this missense change does not adversely affect protein function. ClinVar contains an entry for this variant (Variation ID: 853047). This variant has not been reported in the literature in individuals affected with RPGRIP1-related conditions. This variant is not present in population databases (gnomAD no frequency). This sequence change replaces alanine, which is neutral and non-polar, with valine, which is neutral and non-polar, at codon 977 of the RPGRIP1 protein (p.Ala977Val).

NM_020366.4(RPGRIP1):c.2930C>T (p.Ala977Val)

Gene: RPGRIP1 (RPGR interacting protein 1; plus strand). Cytogenetic location: 14q11.2.
Variant type: single nucleotide variant.
Coding change: c.2930C>T on transcript NM_020366.4 (MANE Select); coding-DNA position 2930, C replaced by T.
Protein change: p.Ala977Val; replaces alanine 977 with valine.
Molecular consequence: missense variant.
Genome position (GRCh38, 1-based): chr14:21,328,458, C>T. VCF-style: chr14-21328458-C-T. GRCh37 (hg19) VCF-style: chr14-21796617-C-T.
Other names: c.908C>T, p.Ala303Val (NM_001377523.1, NM_001377950.1); c.1856C>T, p.Ala619Val (NM_001377948.1); c.1016C>T, p.Ala339Val (NM_001377949.1); c.410C>T, p.Ala137Val (NM_001377951.1); short protein forms A303V, A339V, A619V, A137V, A977V.
Identifiers: ClinVar variation 853047 (VCV000853047.11), dbSNP rs1883345867, ClinGen allele CA388870943.
Genomic context (GRCh38, chr14:21,328,458, plus strand): 5'-ATGCTATCTCTGATCTTTCTATTCAGGATCAGATGGCATCTCCTGAGGTTCCCATTGAAG[C>T]TGGCCAGTATCGATCTAAGAGAAAACCTCCTCATGGGGGAGAAAGAAAGGAGAAGGAGCA-3'
Protein context (NP_065099.3, residues 967-987): QMASPEVPIE[Ala977Val]GQYRSKRKPP